The following is an entry in ClinVar:

NM_005477.3(HCN4):c.119G>A (p.Arg40His)

Gene: HCN4 (hyperpolarization activated cyclic nucleotide gated potassium channel 4; minus strand). Cytogenetic location: 15q24.1.
Variant type: single nucleotide variant.
Coding change: c.119G>A on transcript NM_005477.3 (MANE Select); coding-DNA position 119, G replaced by A.
Protein change: p.Arg40His; replaces arginine 40 with histidine.
Molecular consequence: missense variant.
Genome position (GRCh38, 1-based): chr15:73,368,152, C>T on the plus strand (G>A on the coding strand, the complement: HCN4 is on the minus strand). VCF-style: chr15-73368152-C-T. GRCh37 (hg19) VCF-style: chr15-73660493-C-T.
Other names: c.119G>A (NM_005477.2); short protein forms R40H.
Identifiers: ClinVar variation 2074952 (VCV002074952.7), dbSNP rs1400904747, ClinGen allele CA393098973.

ClinVar aggregate classification (germline): Uncertain significance. Review status: criteria provided, multiple submitters, no conflicts (2 of 4 stars). 2 submissions from 2 submitters: Uncertain significance (2). Last evaluated 2026-01-05.

Conditions:
Brugada syndrome 8 (BRGDA8). Identifiers: Orphanet 130, MedGen C2751083, MONDO:0013148, OMIM 613123.
Cardiovascular phenotype. Identifiers: MedGen CN230736.

gnomAD v4.1: 4 of 1,522,162 alleles (0.00026%); highest among the groups gnomAD compares: East Asian, 0.0026%; no homozygotes.

Submissions (2):

Labcorp Genetics (formerly Invitae), Labcorp
Classification: Uncertain significance for Brugada syndrome 8. Last evaluated: 2026-01-05. Review status: criteria provided, single submitter. Criteria: Invitae Variant Classification Sherloc (09022015). Collection method: clinical testing. Allele origin: germline.
Comment: This sequence change replaces arginine, which is basic and polar, with histidine, which is basic and polar, at codon 40 of the HCN4 protein (p.Arg40His). The frequency data for this variant in the population databases is considered unreliable, as metrics indicate poor data quality at this position in the gnomAD database. This missense change has been observed in individual(s) with unexplained cardiac arrest (PMID: 35352813). ClinVar contains an entry for this variant (Variation ID: 2074952). Invitae Evidence Modeling of protein sequence and biophysical properties (such as structural, functional, and spatial information, amino acid conservation, physicochemical variation, residue mobility, and thermodynamic stability) indicates that this missense variant is not expected to disrupt HCN4 protein function with a negative predictive value of 95%. In summary, the available evidence is currently insufficient to determine the role of this variant in disease. Therefore, it has been classified as a Variant of Uncertain Significance.

Ambry Genetics
Classification: Uncertain significance for Cardiovascular phenotype. Last evaluated: 2025-11-25. Review status: criteria provided, single submitter. Criteria: Ambry Variant Classification Scheme 2023. Collection method: clinical testing. Allele origin: germline.
Comment: The p.R40H variant (also known as c.119G>A), located in coding exon 1 of the HCN4 gene, results from a G to A substitution at nucleotide position 119. The arginine at codon 40 is replaced by histidine, an amino acid with highly similar properties. This amino acid position is conserved. In addition, the in silico prediction for this alteration is inconclusive. Since supporting evidence is limited at this time, the clinical significance of this alteration remains unclear.

Literature cited by the submitters: PubMed 35352813 (cited by Labcorp Genetics (formerly Invitae), Labcorp).